The following is an entry in ClinVar:

ClinVar aggregate classification (germline): Uncertain significance. Review status: criteria provided, multiple submitters, no conflicts (2 of 4 stars). 2 submissions from 2 submitters: Uncertain significance (2). Last evaluated 2024-04-01.

Conditions:
Acrocallosal syndrome (ACLS). Also called: HALLUX DUPLICATION, POSTAXIAL POLYDACTYLY, AND ABSENCE OF CORPUS CALLOSUM; Schinzel syndrome 1; Absence of corpus callosum with unusual facial appearance, mental deficiency, duplication of the halluces and polydactyly. Identifiers: Orphanet 36, MedGen C0796147, MONDO:0008708, OMIM 200990.
Multiple epiphyseal dysplasia, Al-Gazali type. Also called: Macrocephaly with multiple epiphyseal dysplasia and distinctive facies. Identifiers: Orphanet 166024, MedGen C1846722, MONDO:0011778, OMIM 607131.
Hydrolethalus syndrome 2 (HLS2). Identifiers: Orphanet 2189, MedGen C3279899, MONDO:0013585, OMIM 614120.

Allele frequency attached by ClinVar (database versions not stated): gnomAD 0.00001.
gnomAD v4.1: 22 of 1,614,058 alleles (0.0014%); highest among the groups gnomAD compares: Non-Finnish European, 0.0018%; no homozygotes.

Submissions (2):

Fulgent Genetics
Classification: Uncertain significance for Acrocallosal syndrome; Multiple epiphyseal dysplasia, Al-Gazali type; Hydrolethalus syndrome 2. Last evaluated: 2024-04-01. Review status: criteria provided, single submitter. Criteria: ACMG Guidelines, 2015. Collection method: clinical testing. Allele origin: germline.

Labcorp Genetics (formerly Invitae), Labcorp
Classification: Uncertain significance for Acrocallosal syndrome. Last evaluated: 2022-05-28. Review status: criteria provided, single submitter. Criteria: Invitae Variant Classification Sherloc (09022015). Collection method: clinical testing. Allele origin: germline.
Comment: Algorithms developed to predict the effect of missense changes on protein structure and function (SIFT, PolyPhen-2, Align-GVGD) all suggest that this variant is likely to be disruptive. In summary, the available evidence is currently insufficient to determine the role of this variant in disease. Therefore, it has been classified as a Variant of Uncertain Significance. This variant has not been reported in the literature in individuals affected with KIF7-related conditions. This sequence change replaces glutamic acid, which is acidic and polar, with lysine, which is basic and polar, at codon 1081 of the KIF7 protein (p.Glu1081Lys). The frequency data for this variant in the population databases is considered unreliable, as metrics indicate poor data quality at this position in the gnomAD database.

NM_198525.3(KIF7):c.3241G>A (p.Glu1081Lys)

Gene: KIF7 (kinesin family member 7; minus strand). Cytogenetic location: 15q26.1.
Variant type: single nucleotide variant.
Coding change: c.3241G>A on transcript NM_198525.3 (MANE Select); coding-DNA position 3241, G replaced by A.
Protein change: p.Glu1081Lys; replaces glutamic acid 1081 with lysine.
Molecular consequence: missense variant.
Genome position (GRCh38, 1-based): chr15:89,630,364, C>T on the plus strand (G>A on the coding strand, the complement: KIF7 is on the minus strand). VCF-style: chr15-89630364-C-T. GRCh37 (hg19) VCF-style: chr15-90173595-C-T.
Other names: short protein forms E1081K.
Identifiers: ClinVar variation 2050628 (VCV002050628.5), dbSNP rs1416370668, ClinGen allele CA393755961.